The following is an entry in ClinVar:

NM_000744.7(CHRNA4):c.940A>T (p.Met314Leu)

Gene: CHRNA4 (cholinergic receptor nicotinic alpha 4 subunit; minus strand). Cytogenetic location: 20q13.33.
Variant type: single nucleotide variant.
Coding change: c.940A>T on transcript NM_000744.7 (MANE Select); coding-DNA position 940, A replaced by T.
Protein change: p.Met314Leu; replaces methionine 314 with leucine.
Molecular consequence: missense variant. On other transcripts: non-coding transcript variant (1).
Genome position (GRCh38, 1-based): chr20:63,350,471, T>A on the plus strand (A>T on the coding strand, the complement: CHRNA4 is on the minus strand). VCF-style: chr20-63350471-T-A. GRCh37 (hg19) VCF-style: chr20-61981823-T-A.
Other names: c.412A>T, p.Met138Leu (NM_001256573.2); short protein forms M138L, M314L.
Identifiers: ClinVar variation 2838407 (VCV002838407.3), dbSNP rs773225799, ClinGen allele CA409636061.
Genomic context (GRCh38, chr20:63,350,471, plus strand): 5'-AGCGGTGGTGCACGTTGAGCACGAAGACCGTGATGACGATGGACAGGGTGACGAAGATCA[T>A]GGTGAACAGCAGGTACTCGCCGATGAGTGGGATGACCAGTGAGGTGGACGGGATGATCTC-3'
Protein context (NP_000735.1, residues 304-324): PLIGEYLLFT[Met314Leu]IFVTLSIVIT

ClinVar aggregate classification (germline): Uncertain significance (1 of 4 stars; one submission).

Conditions:
Familial sleep-related hypermotor epilepsy. Also called: Autosomal Dominant Sleep-Related Hypermotor (Hyperkinetic) Epilepsy. Identifiers: Orphanet 98784, MedGen C3696898, MONDO:0000030.

Submission:

Labcorp Genetics (formerly Invitae), Labcorp
Classification: Uncertain significance. Last evaluated: 2023-02-21. Review status: criteria provided, single submitter. Criteria: Invitae Variant Classification Sherloc (09022015). Collection method: clinical testing. Allele origin: germline.
Comment: This variant has not been reported in the literature in individuals affected with CHRNA4-related conditions. This variant is not present in population databases (gnomAD no frequency). This sequence change replaces methionine, which is neutral and non-polar, with leucine, which is neutral and non-polar, at codon 314 of the CHRNA4 protein (p.Met314Leu). Advanced modeling of protein sequence and biophysical properties (such as structural, functional, and spatial information, amino acid conservation, physicochemical variation, residue mobility, and thermodynamic stability) performed at Invitae indicates that this missense variant is not expected to disrupt CHRNA4 protein function. In summary, the available evidence is currently insufficient to determine the role of this variant in disease. Therefore, it has been classified as a Variant of Uncertain Significance.